The following is an entry in ClinVar:

NM_004304.5(ALK):c.3028C>T (p.His1010Tyr)

Gene: ALK (ALK receptor tyrosine kinase; minus strand). Cytogenetic location: 2p23.2.
Variant type: single nucleotide variant.
Coding change: c.3028C>T on transcript NM_004304.5 (MANE Select); coding-DNA position 3028, C replaced by T.
Protein change: p.His1010Tyr; replaces histidine 1010 with tyrosine.
Molecular consequence: missense variant.
Genome position (GRCh38, 1-based): chr2:29,226,961, G>A on the plus strand (C>T on the coding strand, the complement: ALK is on the minus strand). VCF-style: chr2-29226961-G-A. GRCh37 (hg19) VCF-style: chr2-29449827-G-A.
Other names: short protein forms H1010Y.
Identifiers: ClinVar variation 3223855 (VCV003223855.1), dbSNP rs2148178408, ClinGen allele CA346467602.
Genomic context (GRCh38, chr2:29,226,961, plus strand): 5'-CCCCTGGCCCTGCCCCCTTACCAATGCAGGAGACGCCATCCTCAGCCAGCACCGTCCCGT[G>A]GTCACAGAAGCAGATGACCTTGTGGCTTTCAGGGTCCATGTGACATTCGTCTACCTCACA-3'
Protein context (NP_004295.2, residues 1000-1020): ESHKVICFCD[His1010Tyr]GTVLAEDGVS

ClinVar aggregate classification (germline): Uncertain significance (1 of 4 stars; one submission).

Conditions:
Hereditary cancer-predisposing syndrome. Also called: Tumor predisposition; Hereditary neoplastic syndrome; Hereditary Cancer Syndrome; Neoplastic Syndromes, Hereditary. Identifiers: Orphanet 140162, MedGen C0027672, MeSH D009386, MONDO:0015356.

Submission:

Ambry Genetics
Classification: Uncertain significance for Hereditary cancer-predisposing syndrome. Last evaluated: 2023-09-27. Review status: criteria provided, single submitter. Criteria: Ambry Variant Classification Scheme 2023. Collection method: clinical testing. Allele origin: germline.
Comment: The p.H1010Y variant (also known as c.3028C>T), located in coding exon 18 of the ALK gene, results from a C to T substitution at nucleotide position 3028. The histidine at codon 1010 is replaced by tyrosine, an amino acid with similar properties. This amino acid position is conserved. In addition, this alteration is predicted to be tolerated by in silico analysis. Since supporting evidence is limited at this time, the clinical significance of this alteration remains unclear.